The following is an entry in ClinVar:

NM_000090.4(COL3A1):c.3823+4T>C

Gene: COL3A1 (collagen type III alpha 1 chain; plus strand). Cytogenetic location: 2q32.2.
Variant type: single nucleotide variant.
Coding change: c.3823+4T>C on transcript NM_000090.4 (MANE Select); 4 bases into the intron after coding-DNA position 3823, T replaced by C.
Molecular consequence: intron variant.
Genome position (GRCh38, 1-based): chr2:189,009,225, T>C. VCF-style: chr2-189009225-T-C. GRCh37 (hg19) VCF-style: chr2-189873951-T-C.
Identifiers: ClinVar variation 2902654 (VCV002902654.3), dbSNP rs2469166687, ClinGen allele CA2739278497.

ClinVar aggregate classification (germline): Uncertain significance (1 of 4 stars; one submission).

Conditions:
Ehlers-Danlos syndrome, type 4 (EDSVASC). Also called: Ehlers-Danlos syndrome vascular type; Ehlers Danlos syndrome, ecchymotic type; Ehlers Danlos syndrome, arterial type; Ehlers Danlos syndrome, Sack-Barabas type; Ehlers-Danlos Syndrome Type IV. Identifiers: Orphanet 286, MedGen C0268338, MONDO:0017314, OMIM 130050.

Submission:

Labcorp Genetics (formerly Invitae), Labcorp
Classification: Uncertain significance for Ehlers-Danlos syndrome, type 4. Last evaluated: 2023-10-22. Review status: criteria provided, single submitter. Criteria: Invitae Variant Classification Sherloc (09022015). Collection method: clinical testing. Allele origin: germline.
Comment: This sequence change falls in intron 48 of the COL3A1 gene. It does not directly change the encoded amino acid sequence of the COL3A1 protein. It affects a nucleotide within the consensus splice site. This variant is not present in population databases (gnomAD no frequency). This variant has not been reported in the literature in individuals affected with COL3A1-related conditions. Variants that disrupt the consensus splice site are a relatively common cause of aberrant splicing (PMID: 17576681, 9536098). Algorithms developed to predict the effect of sequence changes on RNA splicing suggest that this variant is not likely to affect RNA splicing. In summary, the available evidence is currently insufficient to determine the role of this variant in disease. Therefore, it has been classified as a Variant of Uncertain Significance.

Literature cited by the submitters: PubMed 17576681; PubMed 9536098.